The following is an entry in ClinVar:

NM_001136239.4(PRDM6):c.1781T>G (p.Val594Gly)

Gene: PRDM6 (PR/SET domain 6; plus strand). Cytogenetic location: 5q23.2.
Variant type: single nucleotide variant.
Coding change: c.1781T>G on transcript NM_001136239.4 (MANE Select); coding-DNA position 1781, T replaced by G.
Protein change: p.Val594Gly; replaces valine 594 with glycine.
Molecular consequence: missense variant.
Genome position (GRCh38, 1-based): chr5:123,187,194, T>G. VCF-style: chr5-123187194-T-G. GRCh37 (hg19) VCF-style: chr5-122522888-T-G.
Other names: short protein forms V594G.
Identifiers: ClinVar variation 1031874 (VCV001031874.1), dbSNP rs1470510188, ClinGen allele CA360924097.

ClinVar aggregate classification (germline): Uncertain significance (1 of 4 stars; one submission).

Conditions:
Patent ductus arteriosus 3 (PDA3). Identifiers: MedGen C4310753, MONDO:0024266, OMIM 617039.

Allele frequency attached by ClinVar (database versions not stated): gnomAD exomes below 0.00001; TOPMed below 0.00001; gnomAD 0.00001.
gnomAD v4.1: 2 of 1,548,230 alleles (0.00013%); highest among the groups gnomAD compares: Non-Finnish European, 0.00017%; no homozygotes.

Submission:

Baylor Genetics
Classification: Uncertain significance for Patent ductus arteriosus 3. Last evaluated: 2018-05-07. Review status: criteria provided, single submitter. Criteria: ACMG Guidelines, 2015. Collection method: clinical testing. Allele origin: unknown. Affected: yes.
Comment: This variant was determined to be of uncertain significance according to ACMG Guidelines, 2015 [PMID:25741868].